The following is an entry in ClinVar:

ClinVar aggregate classification (germline): Uncertain significance (1 of 4 stars; one submission).

Conditions:
Cardiomyopathy (CMYO). Also called: Cardiomyopathies. Identifiers: Orphanet 167848, MedGen C0878544, MONDO:0004994, HP:0001638. Inheritance: Various modes of inheritance.

Submission:

Color Diagnostics, LLC DBA Color Health
Classification: Uncertain significance for Cardiomyopathy. Last evaluated: 2022-11-07. Review status: criteria provided, single submitter. Criteria: ACMG Guidelines, 2015. Collection method: clinical testing. Allele origin: germline.
Comment: This missense variant replaces alanine with valine at codon 738 of the RYR2 protein. Computational prediction suggests that this variant may not impact protein structure and function (internally defined REVEL score threshold <= 0.5, PMID: 27666373). To our knowledge, functional studies have not been reported for this variant. This variant has not been reported in individuals affected with RYR2-related disorders in the literature. This variant has not been identified in the general population by the Genome Aggregation Database (gnomAD). The available evidence is insufficient to determine the role of this variant in disease conclusively. Therefore, this variant is classified as a Variant of Uncertain Significance.

NM_001035.3(RYR2):c.2213C>T (p.Ala738Val)

Gene: RYR2 (ryanodine receptor 2; plus strand). Cytogenetic location: 1q43.
Variant type: single nucleotide variant.
Coding change: c.2213C>T on transcript NM_001035.3 (MANE Select); coding-DNA position 2213, C replaced by T.
Protein change: p.Ala738Val; replaces alanine 738 with valine.
Molecular consequence: missense variant.
Genome position (GRCh38, 1-based): chr1:237,500,720, C>T. VCF-style: chr1-237500720-C-T. GRCh37 (hg19) VCF-style: chr1-237664020-C-T.
Other names: short protein forms A738V.
Identifiers: ClinVar variation 2774263 (VCV002774263.2), dbSNP rs758381482, ClinGen allele CA345393021.